The following is an entry in ClinVar:

NC_000023.11:g.101841897G>A

Gene: NXF5 (nuclear RNA export factor 5; minus strand). Cytogenetic location: Xq22.1.
Variant type: single nucleotide variant.
Molecular consequence: non-coding transcript variant (on NR_028089.1).
Genome position: GRCh38 VCF-style: chrX-101841897-G-A. GRCh37 (hg19) VCF-style: chrX-101096869-G-A.
Other names: NM_032946.2:c.128C>T.
Identifiers: ClinVar variation 2357503 (VCV002357503.6), dbSNP rs148040937, ClinGen allele CA10474746.

ClinVar aggregate classification (germline): Conflicting classifications of pathogenicity. Review status: criteria provided, conflicting classifications (1 of 4 stars). 2 submissions from 2 submitters: Uncertain significance (1); Benign (1). Last evaluated 2025-11-06.

Allele frequency attached by ClinVar (database versions not stated): gnomAD exomes 0.00010; TOPMed 0.00010; gnomAD 0.00014; 1000 Genomes Project 30x 0.00021; ExAC 0.00021; 1000 Genomes Project 0.00026; ESP Exome Variant Server 0.00028.

Submissions (2):

Labcorp Genetics (formerly Invitae), Labcorp
Classification: Benign. Last evaluated: 2025-11-06. Review status: criteria provided, single submitter. Criteria: Invitae Variant Classification Sherloc (09022015). Collection method: clinical testing. Allele origin: germline.

Ambry Genetics
Classification: Uncertain significance. Last evaluated: 2021-12-06. Review status: criteria provided, single submitter. Criteria: Ambry Variant Classification Scheme 2023. Collection method: clinical testing. Allele origin: germline.
Comment: Does not currently meet published gene-disease clinical validity criteria Based on insufficient or conflicting evidence, the clinical significance of this alteration remains unclear.

Literature cited by the submitters: PubMed 28106320 (cited by Ambry Genetics).